The following is an entry in ClinVar:

NM_153006.3(NAGS):c.1452-11C>T

Gene: NAGS (N-acetylglutamate synthase; plus strand). Cytogenetic location: 17q21.31.
Variant type: single nucleotide variant.
Coding change: c.1452-11C>T on transcript NM_153006.3 (MANE Select); 11 bases into the intron before coding-DNA position 1452, C replaced by T.
Molecular consequence: intron variant.
Genome position (GRCh38, 1-based): chr17:44,008,437, C>T. VCF-style: chr17-44008437-C-T. GRCh37 (hg19) VCF-style: chr17-42085805-C-T.
Identifiers: ClinVar variation 388666 (VCV000388666.10), dbSNP rs371793544, ClinGen allele CA8595434.

ClinVar aggregate classification (germline): Likely benign. Review status: criteria provided, multiple submitters, no conflicts (2 of 4 stars). 2 submissions from 2 submitters: Likely benign (2). Last evaluated 2025-12-16.

Conditions:
Hyperammonemia, type III (NAGSD). Also called: Hyperammonemia due to N-acetylglutamate synthase deficiency. Identifiers: Orphanet 927, MedGen C0268543, MONDO:0009377, OMIM 237310.

Allele frequency attached by ClinVar (database versions not stated): gnomAD exomes 0.00007 and 0.00009; ESP Exome Variant Server 0.00008; gnomAD 0.00009; TOPMed 0.00009; ExAC 0.00011; 1000 Genomes Project 0.00020; 1000 Genomes Project 30x 0.00031.

Submissions (2):

Labcorp Genetics (formerly Invitae), Labcorp
Classification: Likely benign for Hyperammonemia, type III. Last evaluated: 2025-12-16. Review status: criteria provided, single submitter. Criteria: Invitae Variant Classification Sherloc (09022015). Collection method: clinical testing. Allele origin: germline.

GeneDx
Classification: Likely benign. Last evaluated: 2016-08-23. Review status: criteria provided, single submitter. Criteria: GeneDx Variant Classification (06012015). Collection method: clinical testing. Allele origin: germline. Affected: yes.
Comment: This variant is considered likely benign or benign based on one or more of the following criteria: it is a conservative change, it occurs at a poorly conserved position in the protein, it is predicted to be benign by multiple in silico algorithms, and/or has population frequency not consistent with disease.